The following is an entry in ClinVar:

ClinVar aggregate classification (germline): Likely benign. Review status: criteria provided, multiple submitters, no conflicts (2 of 4 stars). 4 submissions from 4 submitters: Likely benign (4). Last evaluated 2025-10-03.

Conditions:
Arrhythmogenic right ventricular cardiomyopathy (ARVD). Also called: Cardiomyopathy, ARVC; Arrhythmogenic right ventricular dysplasia; Arrhythmogenic cardiomyopathy; Arrhythmogenic Right Ventricular Cardiomyopathy (ARVC). Identifiers: Orphanet 247, MedGen C0349788, MeSH D019571, MONDO:0016587. Disease mechanism: loss of function. Inheritance: Various modes of inheritance.
Cardiomyopathy (CMYO). Also called: Cardiomyopathies. Identifiers: Orphanet 167848, MedGen C0878544, MONDO:0004994, HP:0001638. Inheritance: Various modes of inheritance.
Arrhythmogenic right ventricular dysplasia 9 (ARVD9). Also called: Arrhythmogenic Right Ventricular Dysplasia/Cardiomyopathy 9; ARRHYTHMOGENIC RIGHT VENTRICULAR DYSPLASIA, FAMILIAL, 9. Identifiers: MedGen C1836906, MONDO:0012180, OMIM 609040.

Allele frequency attached by ClinVar (database versions not stated): TOPMed 0.00001.
gnomAD v4.1: 2 of 1,614,162 alleles (0.00012%); highest among the groups gnomAD compares: Non-Finnish European, 0.000085%; no homozygotes.

Submissions (4):

Labcorp Genetics (formerly Invitae), Labcorp
Classification: Likely benign for Arrhythmogenic right ventricular dysplasia 9. Last evaluated: 2025-10-03. Review status: criteria provided, single submitter. Criteria: Invitae Variant Classification Sherloc (09022015). Collection method: clinical testing. Allele origin: germline.

All of Us Research Program, National Institutes of Health
Classification: Likely benign for Arrhythmogenic right ventricular cardiomyopathy. Last evaluated: 2023-08-15. Review status: criteria provided, single submitter. Criteria: ACMG Guidelines, 2015. Collection method: clinical testing. Allele origin: germline. Inheritance: Autosomal dominant inheritance. Observed: 1 variant allele, 1 heterozygote.
Comment: This study involves interpretation of variants in research participants for the purpose of population health screening. Participant phenotype was not available at the time of variant classification. Additional details can be found in publication PMID: 35346344, PMCID: PMC8962531

Color Diagnostics, LLC DBA Color Health
Classification: Likely benign for Cardiomyopathy. Last evaluated: 2020-08-24. Review status: criteria provided, single submitter. Criteria: ACMG Guidelines, 2015. Collection method: clinical testing. Allele origin: germline.

GeneDx
Classification: Likely benign. Last evaluated: 2019-12-09. Review status: criteria provided, single submitter. Criteria: GeneDx Variant Classification Process June 2021. Collection method: clinical testing. Allele origin: germline. Affected: yes.

NM_001005242.3(PKP2):c.924C>T (p.Val308=)

Gene: PKP2 (plakophilin 2; minus strand). Cytogenetic location: 12p11.21.
Variant type: single nucleotide variant.
Coding change: c.924C>T on transcript NM_001005242.3 (MANE Select); coding-DNA position 924, C replaced by T.
Protein change: p.Val308=; no amino-acid change (valine 308 retained).
Molecular consequence: synonymous variant.
Genome position (GRCh38, 1-based): chr12:32,877,956, G>A on the plus strand (C>T on the coding strand, the complement: PKP2 is on the minus strand). VCF-style: chr12-32877956-G-A. GRCh37 (hg19) VCF-style: chr12-33030890-G-A.
Other names: c.924C>T, p.Val308= (NM_004572.4).
Identifiers: ClinVar variation 1171101 (VCV001171101.8), dbSNP rs1956947855, ClinGen allele CA479387141.